The following is an entry in ClinVar:

ClinVar aggregate classification (germline): Uncertain significance (1 of 4 stars; one submission).

Submission:

Labcorp Genetics (formerly Invitae), Labcorp
Classification: Uncertain significance. Last evaluated: 2023-02-27. Review status: criteria provided, single submitter. Criteria: Invitae Variant Classification Sherloc (09022015). Collection method: clinical testing. Allele origin: germline.
Comment: In summary, the available evidence is currently insufficient to determine the role of this variant in disease. Therefore, it has been classified as a Variant of Uncertain Significance. An algorithm developed to predict the effect of missense changes on protein structure and function (PolyPhen-2) suggests that this variant is likely to be disruptive. This variant has not been reported in the literature in individuals affected with AUTS2-related conditions. This variant is not present in population databases (gnomAD no frequency). This sequence change replaces leucine, which is neutral and non-polar, with valine, which is neutral and non-polar, at codon 48 of the AUTS2 protein (p.Leu48Val).

NM_015570.4(AUTS2):c.142C>G (p.Leu48Val)

Gene: AUTS2 (activator of transcription and developmental regulator AUTS2; plus strand). Cytogenetic location: 7q11.22.
Variant type: single nucleotide variant.
Coding change: c.142C>G on transcript NM_015570.4 (MANE Select); coding-DNA position 142, C replaced by G.
Protein change: p.Leu48Val; replaces leucine 48 with valine.
Molecular consequence: missense variant.
Genome position (GRCh38, 1-based): chr7:69,599,795, C>G. VCF-style: chr7-69599795-C-G. GRCh37 (hg19) VCF-style: chr7-69064781-C-G.
Other names: c.142C>G, p.Leu48Val (NM_001127231.3, NM_001127232.3); short protein forms L48V.
Identifiers: ClinVar variation 2789082 (VCV002789082.3), dbSNP rs1475544687, ClinGen allele CA367702935.